The following is an entry in ClinVar:

NM_015215.4(CAMTA1):c.4573T>C (p.Tyr1525His)

Gene: CAMTA1 (calmodulin binding transcription activator 1; plus strand). Cytogenetic location: 1p36.23.
Variant type: single nucleotide variant.
Coding change: c.4573T>C on transcript NM_015215.4 (MANE Select); coding-DNA position 4573, T replaced by C.
Protein change: p.Tyr1525His; replaces tyrosine 1525 with histidine.
Molecular consequence: missense variant.
Genome position (GRCh38, 1-based): chr1:7,746,047, T>C. VCF-style: chr1-7746047-T-C. GRCh37 (hg19) VCF-style: chr1-7806107-T-C.
Other names: c.4483T>C, p.Tyr1495His (NM_001349608.2); c.4234T>C, p.Tyr1412His (NM_001349609.2, NM_001349610.2, NM_001410737.1); c.4144T>C, p.Tyr1382His (NM_001349612.2); c.1702T>C, p.Tyr568His (NM_001349613.1); c.1645T>C, p.Tyr549His (NM_001349614.1, NM_001349615.2, NM_001349616.2 and 2 more transcripts); c.1306T>C, p.Tyr436His (NM_001349619.2, NM_001349620.1, NM_001349621.1 and 5 more transcripts); c.4162T>C, p.Tyr1388His (NM_001410738.1); short protein forms Y1388H, Y436H, Y1412H, Y1495H, Y1525H, Y549H, Y1382H, Y568H.
Identifiers: ClinVar variation 3572843 (VCV003572843.1).

ClinVar aggregate classification (germline): Uncertain significance (1 of 4 stars; one submission).

Submission:

GeneDx
Classification: Uncertain significance. Last evaluated: 2024-07-10. Review status: criteria provided, single submitter. Criteria: GeneDx Variant Classification Process June 2021. Collection method: clinical testing. Allele origin: germline. Affected: yes.
Comment: Not observed at significant frequency in large population cohorts (gnomAD); In silico analysis supports that this missense variant has a deleterious effect on protein structure/function; Has not been previously published as pathogenic or benign to our knowledge